The following is an entry in ClinVar:

ClinVar aggregate classification (germline): Benign. Review status: criteria provided, multiple submitters, no conflicts (2 of 4 stars). 3 submissions from 3 submitters: Benign (3). Last evaluated 2021-04-07.

Allele frequency attached by ClinVar (database versions not stated): 1000 Genomes Project 0.44629; gnomAD 0.37493 and 0.38185; ExAC 0.37699; gnomAD exomes 0.38039 and 0.37292; TOPMed 0.38545; ESP Exome Variant Server 0.38997; 1000 Genomes Project 30x 0.44254.
gnomAD v4.1: 612,619 of 1,607,110 alleles (38%); highest among the groups gnomAD compares: East Asian, 57%; 120,262 homozygotes.

Submissions (3):

Mayo Clinic Laboratories, Mayo Clinic
Classification: Benign. Last evaluated: 2021-04-07. Review status: criteria provided, single submitter. Criteria: ACMG Guidelines, 2015. Collection method: clinical testing. Allele origin: germline. Observed: 2 variant alleles.

GeneDx
Classification: Benign. Last evaluated: 2018-06-18. Review status: criteria provided, single submitter. Criteria: GeneDx Variant Classification (06012015). Collection method: clinical testing. Allele origin: germline. Affected: yes.
Comment: This variant is considered likely benign or benign based on one or more of the following criteria: it is a conservative change, it occurs at a poorly conserved position in the protein, it is predicted to be benign by multiple in silico algorithms, and/or has population frequency not consistent with disease.

Breakthrough Genomics
Classification: Benign. Review status: criteria provided, single submitter. Criteria: ACMG Guidelines, 2015. Collection method: not provided. Allele origin: germline. Inheritance: Autosomal dominant inheritance. Affected: yes.

NM_001844.5(COL2A1):c.2302-22G>A

Gene: COL2A1 (collagen type II alpha 1 chain; minus strand). Cytogenetic location: 12q13.11.
Variant type: single nucleotide variant.
Coding change: c.2302-22G>A on transcript NM_001844.5 (MANE Select); 22 bases into the intron before coding-DNA position 2302, G replaced by A.
Molecular consequence: intron variant.
Genome position (GRCh38, 1-based): chr12:47,982,182, C>T on the plus strand (G>A on the coding strand, the complement: COL2A1 is on the minus strand). VCF-style: chr12-47982182-C-T. GRCh37 (hg19) VCF-style: chr12-48375965-C-T.
Other names: p.?; c.2095-22G>A (NM_033150.3).
Identifiers: ClinVar variation 674842 (VCV000674842.3), dbSNP rs2276457, ClinGen allele CA6535151.